The following is an entry in ClinVar:

ClinVar aggregate classification (germline): Likely pathogenic (1 of 4 stars; one submission).

Conditions:
Cerebellar ataxia, impaired intellectual development, and dysequilibrium syndrome 4. Also called: Cerebellar ataxia, intellectual disability, and dysequilibrium syndrome 4; CEREBELLAR ATAXIA AND MENTAL RETARDATION WITH OR WITHOUT QUADRUPEDAL LOCOMOTION 4; Cerebellar ataxia, mental retardation, and dysequilibrium syndrome 4. Identifiers: Orphanet 1766, MedGen C3808977, MONDO:0014104, OMIM 615268.

Submission:

Women's Health and Genetics/Laboratory Corporation of America, LabCorp
Classification: Likely pathogenic for Cerebellar ataxia, impaired intellectual development, and dysequilibrium syndrome 4. Last evaluated: 2022-11-17. Review status: criteria provided, single submitter. Criteria: LabCorp Variant Classification Summary - May 2015. Collection method: clinical testing. Allele origin: germline.
Comment: Variant summary: ATP8A2 c.2842A>T (p.Lys948X) results in a premature termination codon, predicted to cause a truncation of the encoded protein or absence of the protein due to nonsense mediated decay, which are commonly known mechanisms for disease. Truncations downstream of this position have been classified as pathogenic in ClinVar database. The variant was absent in 249538 control chromosomes (gnomAD). To our knowledge, no occurrence of c.2842A>T in individuals affected with Cerebellar Ataxia, Mental Retardation, And Dysequilibrium Syndrome 4 and no experimental evidence demonstrating its impact on protein function have been reported. No clinical diagnostic laboratories have submitted clinical-significance assessments for this variant to ClinVar after 2014. Based on the evidence outlined above, the variant was classified as likely pathogenic.

NM_016529.6(ATP8A2):c.2842A>T (p.Lys948Ter)

Gene: ATP8A2 (ATPase phospholipid transporting 8A2). Cytogenetic location: 13q12.13.
Variant type: single nucleotide variant.
Coding change: c.2842A>T on transcript NM_016529.6 (MANE Select); coding-DNA position 2842, A replaced by T.
Protein change: p.Lys948Ter; replaces lysine 948 with a stop codon.
Molecular consequence: nonsense.
Genome position (GRCh38, 1-based): chr13:25,837,250, A>T. VCF-style: chr13-25837250-A-T. GRCh37 (hg19) VCF-style: chr13-26411388-A-T.
Other names: c.2647A>T, p.Lys883Ter (NM_001313741.1); c.2767A>T, p.Lys923Ter (NM_001411005.1); c.2842A>T, p.Lys948Ter (NM_001411006.1); short protein forms K883*, K923*, K948*.
Identifiers: ClinVar variation 1804808 (VCV001804808.1), dbSNP rs1566188424, ClinGen allele CA387682935.